The following is an entry in ClinVar:

ClinVar aggregate classification (germline): Uncertain significance. Review status: criteria provided, multiple submitters, no conflicts (2 of 4 stars). 3 submissions from 3 submitters: Uncertain significance (3). Last evaluated 2025-04-20.

Conditions:
Cerebellar atrophy, visual impairment, and psychomotor retardation;. Also called: Cerebellar atrophy, visual impairment, and psychomotor retardation. Identifiers: MedGen C4225172, MONDO:0014811, OMIM 616875.
Inborn genetic diseases. Identifiers: MedGen C0950123, MeSH D030342.

Allele frequency attached by ClinVar (database versions not stated): gnomAD exomes below 0.00001.
gnomAD v4.1: 6 of 1,614,208 alleles (0.00037%); highest among the groups gnomAD compares: Non-Finnish European, 0.00051%; no homozygotes.

Submissions (3):

Ambry Genetics
Classification: Uncertain significance for Inborn genetic diseases. Last evaluated: 2025-04-20. Review status: criteria provided, single submitter. Criteria: Ambry Variant Classification Scheme 2023. Collection method: clinical testing. Allele origin: germline.

Labcorp Genetics (formerly Invitae), Labcorp
Classification: Uncertain significance. Last evaluated: 2024-04-17. Review status: criteria provided, single submitter. Criteria: Invitae Variant Classification Sherloc (09022015). Collection method: clinical testing. Allele origin: germline.
Comment: This sequence change replaces alanine, which is neutral and non-polar, with valine, which is neutral and non-polar, at codon 233 of the EMC1 protein (p.Ala233Val). This variant is not present in population databases (gnomAD no frequency). This variant has not been reported in the literature in individuals affected with EMC1-related conditions. ClinVar contains an entry for this variant (Variation ID: 1805929). Advanced modeling of protein sequence and biophysical properties (such as structural, functional, and spatial information, amino acid conservation, physicochemical variation, residue mobility, and thermodynamic stability) performed at Invitae indicates that this missense variant is not expected to disrupt EMC1 protein function with a negative predictive value of 80%. In summary, the available evidence is currently insufficient to determine the role of this variant in disease. Therefore, it has been classified as a Variant of Uncertain Significance.

Victorian Clinical Genetics Services, Murdoch Childrens Research Institute
Classification: Uncertain significance for Cerebellar atrophy, visual impairment, and psychomotor retardation;. Last evaluated: 2020-05-26. Review status: criteria provided, single submitter. Criteria: ACMG Guidelines, 2015. Collection method: clinical testing. Allele origin: germline. Inheritance: Autosomal recessive inheritance.
Comment: Based on the classification scheme VCGS_Germline_v1.1.1, this variant is classified as 3C-VUS. Following criteria are met: 0102 - Loss-of-function is a known mechanism of disease for this gene. (N) 0106 - This gene is known to be associated with autosomal recessive disease. (N) 0200 - Variant is predicted to result in a missense amino acid change from alanine to valine (exon 7). (N) 0251 - Variant is heterozygous. (N) 0301 - Variant is absent from gnomAD. (P) 0503 - Missense variant consistently predicted to be tolerated or not conserved in mammals with a minor amino acid change. (B) 0600 - Variant is located in an annotated domain or motif (PQQ_2 functional domain; PMID: 29271071). (N) 0705 - No comparable variants have previous evidence for pathogenicity. (N) 0807 - Variant has not previously been reported in a clinical context. (N) 0905 - No segregation evidence has been identified for this variant. (N) 1007 - No published functional evidence has been identified for this variant. (N) 1208 - Inheritance information for this variant is not currently available. (N) Legend: (P) - Pathogenic, (N) - Neutral, (B) - Benign

Literature cited by the submitters: PubMed 29271071 (cited by Victorian Clinical Genetics Services, Murdoch Childrens Research Institute).

NM_015047.3(EMC1):c.698C>T (p.Ala233Val)

Genes: EMC1 (ER membrane protein complex subunit 1; minus strand), EMC1-AS1 (EMC1 antisense RNA 1; plus strand). Cytogenetic location: 1p36.13.
Variant type: single nucleotide variant.
Coding change: c.698C>T on transcript NM_015047.3 (MANE Select); coding-DNA position 698, C replaced by T.
Protein change: p.Ala233Val; replaces alanine 233 with valine.
Molecular consequence: missense variant. On other transcripts: non-coding transcript variant (1).
Genome position (GRCh38, 1-based): chr1:19,240,385, G>A on the plus strand (C>T on the coding strand, the complement: EMC1 is on the minus strand). VCF-style: chr1-19240385-G-A. GRCh37 (hg19) VCF-style: chr1-19566879-G-A.
Other names: c.698C>T, p.Ala233Val (NM_001271427.2, NM_001271428.2, NM_001375820.1 and 1 more transcripts); c.632C>T, p.Ala211Val (NM_001271429.2); c.698C>T (NM_015047.1); short protein forms A211V, A233V.
Identifiers: ClinVar variation 1805929 (VCV001805929.4), dbSNP rs2536784855, ClinGen allele CA338769074.